The following is an entry in ClinVar:

ClinVar aggregate classification (germline): Uncertain significance (1 of 4 stars; one submission).

Conditions:
Very long chain acyl-CoA dehydrogenase deficiency (ACADVLD). Also called: Very Long-Chain Acyl-Coenzyme A Dehydrogenase Deficiency; VLCAD Deficiency. Identifiers: Orphanet 26793, MedGen C3887523, MONDO:0008723, OMIM 201475.

Submission:

Wong Mito Lab, Molecular and Human Genetics, Baylor College of Medicine
Classification: Uncertain significance for Very long chain acyl-CoA dehydrogenase deficiency. Last evaluated: 2019-11-01. Review status: criteria provided, single submitter. Criteria: ACMG Guidelines, 2015. Collection method: clinical testing. Allele origin: germline.
Comment: The NM_000018.3:c.1360G>C (NP_000009.1:p.Asp454His) [GRCH38: NC_000017.11:g.7223995G>C] variant in ACADVL gene is interpretated to be Uncertain Significance based on ACMG guidelines (PMID: 25741868). This variant has been reported. This variant meets the following evidence codes reported in the ACMG guidelines: PM5, PP3

NM_000018.4(ACADVL):c.1360G>C (p.Asp454His)

Gene: ACADVL (acyl-CoA dehydrogenase very long chain; plus strand). Cytogenetic location: 17p13.1.
Variant type: single nucleotide variant.
Coding change: c.1360G>C on transcript NM_000018.4 (MANE Select); coding-DNA position 1360, G replaced by C.
Protein change: p.Asp454His; replaces aspartic acid 454 with histidine.
Molecular consequence: missense variant.
Genome position (GRCh38, 1-based): chr17:7,223,995, G>C. VCF-style: chr17-7223995-G-C. GRCh37 (hg19) VCF-style: chr17-7127314-G-C.
Other names: c.1294G>C, p.Asp432His (NM_001033859.3); c.1429G>C, p.Asp477His (NM_001270447.2); c.1132G>C, p.Asp378His (NM_001270448.2); short protein forms D378H, D454H, D477H, D432H.
Identifiers: ClinVar variation 932768 (VCV000932768.2), dbSNP rs1419606204, ClinGen allele CA397724951.